The following is an entry in ClinVar:

NM_000037.4(ANK1):c.2581dup (p.Arg861fs)

Gene: ANK1 (ankyrin 1; minus strand). Cytogenetic location: 8p11.21.
Variant type: Duplication.
Coding change: c.2581dup on transcript NM_000037.4 (MANE Select); coding-DNA position 2581, one base duplicated (A; older notation c.2581dupA).
Protein change: p.Arg861fs; shifts the reading frame from arginine 861.
Molecular consequence: frameshift variant.
Genome position (GRCh38, 1-based): chr8:41,698,099, T duplicated on the plus strand (A on the coding strand, the reverse complement: ANK1 is on the minus strand). VCF-style (leftmost placement, unchanged base first): chr8-41698098-C-CT. GRCh37 (hg19) VCF-style: chr8-41555616-C-CT.
Other names: c.2704dup, p.Arg902fs (NM_001142446.2); c.2581dup, p.Arg861fs (NM_020475.3, NM_020476.3, NM_020477.3); short protein forms R861fs, R902fs.
Identifiers: ClinVar variation 2691863 (VCV002691863.2), dbSNP rs2486794097, ClinGen allele CA2697549912.
Genomic context (GRCh38, chr8:41,698,098, plus strand): 5'-CTCACCTGCTCCTGCTCTTCTGACCTGATCACCACTGTCTCAGGCATGGCACAGGGAATC[C>CT]TGGGGATGGCTGGAGATTCCACCCTGCGTGCCAAGAACACCAGAACATCACAGGGCTGAT-3'

ClinVar aggregate classification (germline): Likely pathogenic (1 of 4 stars; one submission).

Conditions:
Hereditary spherocytosis type 1. Also called: Spherocytosis type 1; ANK1-Related Spherocytosis. Identifiers: Orphanet 822, MedGen C2674218, MONDO:0008447, OMIM 182900.

Submission:

Institute of Human Genetics, University of Leipzig Medical Center
Classification: Likely pathogenic for Hereditary spherocytosis type 1. Last evaluated: 2024-01-29. Review status: criteria provided, single submitter. Criteria: ACMG Guidelines, 2015. Collection method: clinical testing. Allele origin: unknown. Inheritance: Autosomal dominant inheritance. Affected: yes.
Comment: Criteria applied: PVS1,PM2_SUP